The following is an entry in ClinVar:

ClinVar aggregate classification (germline): Uncertain significance (1 of 4 stars; one submission).

Allele frequency attached by ClinVar (database versions not stated): gnomAD exomes below 0.00001.
gnomAD v4.1: 4 of 1,613,602 alleles (0.00025%); highest among the groups gnomAD compares: Non-Finnish European, 0.00034%; no homozygotes.

Submission:

Labcorp Genetics (formerly Invitae), Labcorp
Classification: Uncertain significance. Last evaluated: 2022-02-08. Review status: criteria provided, single submitter. Criteria: Invitae Variant Classification Sherloc (09022015). Collection method: clinical testing. Allele origin: germline.
Comment: This sequence change replaces leucine, which is neutral and non-polar, with phenylalanine, which is neutral and non-polar, at codon 3739 of the ADGRV1 protein (p.Leu3739Phe). This variant is not present in population databases (gnomAD no frequency). This variant has not been reported in the literature in individuals affected with ADGRV1-related conditions. Algorithms developed to predict the effect of missense changes on protein structure and function are either unavailable or do not agree on the potential impact of this missense change (SIFT: "Deleterious"; PolyPhen-2: "Probably Damaging"; Align-GVGD: "Class C0"). In summary, the available evidence is currently insufficient to determine the role of this variant in disease. Therefore, it has been classified as a Variant of Uncertain Significance.

NM_032119.4(ADGRV1):c.11215C>T (p.Leu3739Phe)

Gene: ADGRV1 (adhesion G protein-coupled receptor V1; plus strand). Cytogenetic location: 5q14.3.
Variant type: single nucleotide variant.
Coding change: c.11215C>T on transcript NM_032119.4 (MANE Select); coding-DNA position 11215, C replaced by T.
Protein change: p.Leu3739Phe; replaces leucine 3739 with phenylalanine.
Molecular consequence: missense variant. On other transcripts: non-coding transcript variant (1).
Genome position (GRCh38, 1-based): chr5:90,753,667, C>T. VCF-style: chr5-90753667-C-T. GRCh37 (hg19) VCF-style: chr5-90049484-C-T.
Other names: short protein forms L3739F.
Identifiers: ClinVar variation 1904939 (VCV001904939.2), dbSNP rs2531617821, ClinGen allele CA360364816.